The following is an entry in ClinVar:

NM_020810.3(TRMT5):c.987T>C (p.Asn329=)

Gene: TRMT5 (tRNA methyltransferase 5; minus strand). Cytogenetic location: 14q23.1.
Variant type: single nucleotide variant.
Coding change: c.987T>C on transcript NM_020810.3 (MANE Select); coding-DNA position 987, T replaced by C.
Protein change: p.Asn329=; no amino-acid change (asparagine 329 retained).
Molecular consequence: synonymous variant.
Genome position (GRCh38, 1-based): chr14:60,975,932, A>G on the plus strand (T>C on the coding strand, the complement: TRMT5 is on the minus strand). VCF-style: chr14-60975932-A-G. GRCh37 (hg19) VCF-style: chr14-61442650-A-G.
Other names: c.1071T>C, p.Asn357= (NM_001350253.1); c.1068T>C, p.Asn356= (NM_001350254.1).
Identifiers: ClinVar variation 749958 (VCV000749958.24), dbSNP rs140182830, ClinGen allele CA7213788.

ClinVar aggregate classification (germline): Likely benign. Review status: criteria provided, multiple submitters, no conflicts (2 of 4 stars). 3 submissions from 3 submitters: Likely benign (2). 1 of the submissions does not count toward it. Last evaluated 2026-09-01.

Conditions:
TRMT5-related disorder. Also called: TRMT5-related condition.

Allele frequency attached by ClinVar (database versions not stated): gnomAD exomes 0.00016 and 0.00019; gnomAD 0.00018 and 0.00019; ExAC 0.00019; TOPMed 0.00021; ESP Exome Variant Server 0.00023.
gnomAD v4.1: 302 of 1,614,056 alleles (0.019%); highest among the groups gnomAD compares: Admixed American, 0.033%; no homozygotes.

Submissions (3):

CeGaT Center for Human Genetics Tuebingen
Classification: Likely benign. Last evaluated: 2026-09-01. Review status: criteria provided, single submitter. Criteria: CeGaT Center For Human Genetics Tuebingen Variant Classification Criteria Version 2. Collection method: clinical testing. Allele origin: germline. Affected: yes. Observed: 3 variant alleles.
Comment: TRMT5: BP4, BP7

Labcorp Genetics (formerly Invitae), Labcorp
Classification: Likely benign. Last evaluated: 2026-01-25. Review status: criteria provided, single submitter. Criteria: Invitae Variant Classification Sherloc (09022015). Collection method: clinical testing. Allele origin: germline.

PreventionGenetics, part of Exact Sciences
Classification: Likely benign for TRMT5-related condition. Last evaluated: 2023-08-11. Review status: no assertion criteria provided. Collection method: clinical testing. Allele origin: germline. Not counted in ClinVar's aggregate classification.
Comment: This variant is classified as likely benign based on ACMG/AMP sequence variant interpretation guidelines (Richards et al. 2015 PMID: 25741868, with internal and published modifications).